The following is an entry in ClinVar:

NM_018908.3(PCDHA5):c.2352+59937C>A

Genes: PCDHA1 (protocadherin alpha 1; plus strand), PCDHA10 (protocadherin alpha 10; plus strand), PCDHA11 (protocadherin alpha 11; plus strand), PCDHA12 (protocadherin alpha 12; plus strand), PCDHA13 (protocadherin alpha 13; plus strand) and 9 more. Cytogenetic location: 5q31.3.
Variant type: single nucleotide variant.
Coding change: c.2352+59937C>A on transcript NM_018908.3 (MANE Select); 59937 bases into the intron after coding-DNA position 2352, C replaced by A.
Molecular consequence: intron variant. On other transcripts: missense variant (2).
Genome position (GRCh38, 1-based): chr5:140,884,064, C>A. VCF-style: chr5-140884064-C-A. GRCh37 (hg19) VCF-style: chr5-140263649-C-A.
Other names: c.2355+47326C>A (NM_018910.3); c.2394+40349C>A (NM_018911.3); c.2394+33175C>A (NM_031857.2); c.2388+25628C>A (NM_018901.4); c.1599+26417C>A (NM_031860.3); c.2391+12570C>A (NM_018902.5); c.2367+6225C>A (NM_018903.4); c.1796C>A, p.Ala599Asp (NM_018904.3, NM_031865.2); and 7 more; short protein forms A599D.
Identifiers: ClinVar variation 2655799 (VCV002655799.24), dbSNP rs150717183, ClinGen allele CA3453345.

ClinVar aggregate classification (germline): Likely benign (1 of 4 stars; one submission).

Allele frequency attached by ClinVar (database versions not stated): ESP Exome Variant Server 0.00146; 1000 Genomes Project 0.00160; TOPMed 0.00168; 1000 Genomes Project 30x 0.00187; gnomAD exomes 0.00221; ExAC 0.00268; gnomAD 0.00311.
gnomAD v4.1: 3,707 of 1,613,502 alleles (0.23%); highest among the groups gnomAD compares: Middle Eastern, 0.9%; 15 homozygotes.

Submission:

CeGaT Center for Human Genetics Tuebingen
Classification: Likely benign. Last evaluated: 2026-02-01. Review status: criteria provided, single submitter. Criteria: CeGaT Center For Human Genetics Tuebingen Variant Classification Criteria Version 2. Collection method: clinical testing. Allele origin: germline. Affected: yes. Observed: 2 variant alleles.
Comment: PCDHA2: BS2; PCDHA3: BS2; PCDHA5: BS2; PCDHA6: BS2; PCDHA7: BS2; PCDHA8: BS2; PCDHA9: BS2